The following is an entry in ClinVar:

NM_014989.7(RIMS1):c.2452G>A (p.Val818Ile)

Gene: RIMS1 (regulating synaptic membrane exocytosis 1; plus strand). Cytogenetic location: 6q13.
Variant type: single nucleotide variant.
Coding change: c.2452G>A on transcript NM_014989.7 (MANE Select); coding-DNA position 2452, G replaced by A.
Protein change: p.Val818Ile; replaces valine 818 with isoleucine.
Molecular consequence: missense variant.
Genome position (GRCh38, 1-based): chr6:72,251,000, G>A. VCF-style: chr6-72251000-G-A. GRCh37 (hg19) VCF-style: chr6-72960703-G-A.
Other names: c.874G>A, p.Val292Ile (NM_001168407.2, NM_001168408.2, NM_001350414.2 and 37 more transcripts); c.631G>A, p.Val211Ile (NM_001168409.2, NM_001350461.2, NM_001350463.2 and 6 more transcripts); c.829G>A, p.Val277Ile (NM_001168410.2, NM_001350470.2, NM_001350472.2 and 2 more transcripts); c.805G>A, p.Val269Ile (NM_001350421.2, NM_001350424.2, NM_001350428.2 and 6 more transcripts); short protein forms V269I, V277I, V818I, V211I, V292I.
Identifiers: ClinVar variation 1044598 (VCV001044598.8), dbSNP rs1319510320, ClinGen allele CA364679543.
Genomic context (GRCh38, chr6:72,251,000, plus strand): 5'-ACCAAAACAGTAAAGAAAATACTAGAACCAAAATGGAATCAAACTTTTGTCTATTCACAT[G>A]TACATCGTAGAGATTTTAGAGAACGAATGTTAGAAATAACTGTGTGGGACCAACCAAGAG-3'
Protein context (NP_055804.2, residues 808-828): KWNQTFVYSH[Val818Ile]HRRDFRERML

ClinVar aggregate classification (germline): Uncertain significance (1 of 4 stars; one submission).

Allele frequency attached by ClinVar (database versions not stated): TOPMed below 0.00001.

Submission:

Labcorp Genetics (formerly Invitae), Labcorp
Classification: Uncertain significance. Last evaluated: 2025-10-29. Review status: criteria provided, single submitter. Criteria: Invitae Variant Classification Sherloc (09022015). Collection method: clinical testing. Allele origin: germline.
Comment: This sequence change replaces valine, which is neutral and non-polar, with isoleucine, which is neutral and non-polar, at codon 818 of the RIMS1 protein (p.Val818Ile). This variant is not present in population databases (gnomAD no frequency). This variant has not been reported in the literature in individuals affected with RIMS1-related conditions. ClinVar contains an entry for this variant (Variation ID: 1044598). An algorithm developed to predict the effect of missense changes on protein structure and function (PolyPhen-2) suggests that this variant is likely to be disruptive. In summary, the available evidence is currently insufficient to determine the role of this variant in disease. Therefore, it has been classified as a Variant of Uncertain Significance.